The following is an entry in ClinVar:

ClinVar aggregate classification (germline): Uncertain significance (1 of 4 stars; one submission).

Conditions:
Cardiovascular phenotype. Identifiers: MedGen CN230736.

gnomAD v4.1: 2 of 1,585,400 alleles (0.00013%); highest among the groups gnomAD compares: Non-Finnish European, 0.00017%; no homozygotes.

Submission:

Ambry Genetics
Classification: Uncertain significance for Cardiovascular phenotype. Last evaluated: 2024-10-27. Review status: criteria provided, single submitter. Criteria: Ambry Variant Classification Scheme 2023. Collection method: clinical testing. Allele origin: germline.
Comment: The p.H522Y variant (also known as c.1564C>T), located in coding exon 8 of the EPHB4 gene, results from a C to T substitution at nucleotide position 1564. The histidine at codon 522 is replaced by tyrosine, an amino acid with similar properties. This amino acid position is conserved. In addition, this alteration is predicted to be tolerated by in silico analysis. Based on the available evidence, the clinical significance of this variant remains unclear.

NM_004444.5(EPHB4):c.1564C>T (p.His522Tyr)

Gene: EPHB4 (EPH receptor B4; minus strand). Cytogenetic location: 7q22.1.
Variant type: single nucleotide variant.
Coding change: c.1564C>T on transcript NM_004444.5 (MANE Select); coding-DNA position 1564, C replaced by T.
Protein change: p.His522Tyr; replaces histidine 522 with tyrosine.
Molecular consequence: missense variant.
Genome position (GRCh38, 1-based): chr7:100,817,216, G>A on the plus strand (C>T on the coding strand, the complement: EPHB4 is on the minus strand). VCF-style: chr7-100817216-G-A. GRCh37 (hg19) VCF-style: chr7-100414838-G-A.
Other names: short protein forms H522Y.
Identifiers: ClinVar variation 3509405 (VCV003509405.1).